The following is an entry in ClinVar:

NM_001278669.2(NFATC1):c.1274C>T (p.Pro425Leu)

Gene: NFATC1 (nuclear factor of activated T cells 1; plus strand). Cytogenetic location: 18q23.
Variant type: single nucleotide variant.
Coding change: c.1274C>T on transcript NM_001278669.2 (MANE Select); coding-DNA position 1274, C replaced by T.
Protein change: p.Pro425Leu; replaces proline 425 with leucine.
Molecular consequence: missense variant. On other transcripts: 5 prime UTR variant (2).
Genome position (GRCh38, 1-based): chr18:79,433,626, C>T. VCF-style: chr18-79433626-C-T. GRCh37 (hg19) VCF-style: chr18-77193626-C-T.
Other names: c.1274C>T, p.Pro425Leu (NM_001278670.2, NM_006162.5, NM_172390.3); c.1235C>T, p.Pro412Leu (NM_001278672.2, NM_001278675.2, NM_172387.3 and 1 more transcripts); c.-143C>T (NM_001278673.2, NM_172388.3); short protein forms P425L, P412L.
Identifiers: ClinVar variation 2962772 (VCV002962772.3), dbSNP rs530515037, ClinGen allele CA9009145.

ClinVar aggregate classification (germline): Uncertain significance (1 of 4 stars; one submission).

Allele frequency attached by ClinVar (database versions not stated): TOPMed 0.00003; 1000 Genomes Project 30x 0.00016; 1000 Genomes Project 0.00020.
gnomAD v4.1: 47 of 1,613,120 alleles (0.0029%); highest among the groups gnomAD compares: South Asian, 0.019%; 1 homozygote.

Submission:

Labcorp Genetics (formerly Invitae), Labcorp
Classification: Uncertain significance. Last evaluated: 2023-10-12. Review status: criteria provided, single submitter. Criteria: Invitae Variant Classification Sherloc (09022015). Collection method: clinical testing. Allele origin: germline.
Comment: This sequence change replaces proline, which is neutral and non-polar, with leucine, which is neutral and non-polar, at codon 425 of the NFATC1 protein (p.Pro425Leu). This variant is present in population databases (rs530515037, gnomAD 0.01%). This variant has not been reported in the literature in individuals affected with NFATC1-related conditions. An algorithm developed to predict the effect of missense changes on protein structure and function (PolyPhen-2) suggests that this variant is likely to be tolerated. In summary, the available evidence is currently insufficient to determine the role of this variant in disease. Therefore, it has been classified as a Variant of Uncertain Significance.